The following is an entry in ClinVar:

NM_024589.3(ROGDI):c.822+9G>A

Gene: ROGDI (rogdi atypical leucine zipper; minus strand). Cytogenetic location: 16p13.3.
Variant type: single nucleotide variant.
Coding change: c.822+9G>A on transcript NM_024589.3 (MANE Select); 9 bases into the intron after coding-DNA position 822, G replaced by A.
Molecular consequence: intron variant.
Genome position (GRCh38, 1-based): chr16:4,797,705, C>T on the plus strand (G>A on the coding strand, the complement: ROGDI is on the minus strand). VCF-style: chr16-4797705-C-T. GRCh37 (hg19) VCF-style: chr16-4847706-C-T.
Identifiers: ClinVar variation 461618 (VCV000461618.13), dbSNP rs765281930, ClinGen allele CA7882468.

ClinVar aggregate classification (germline): Likely benign. Review status: criteria provided, multiple submitters, no conflicts (2 of 4 stars). 3 submissions from 3 submitters: Likely benign (3). Last evaluated 2025-11-24.

Conditions:
Amelocerebrohypohidrotic syndrome (KTZS). Also called: Kohlschutter's syndrome; EPILEPSY AND YELLOW TEETH; EPILEPSY, DEMENTIA, AND AMELOGENESIS IMPERFECTA; KOHLSCHUTTER SYNDROME. Identifiers: Orphanet 1946, MedGen C0406740, MONDO:0009185, OMIM 226750.

Allele frequency attached by ClinVar (database versions not stated): gnomAD 0.00006; gnomAD exomes 0.00006 and 0.00014; ExAC 0.00007; TOPMed 0.00009.
gnomAD v4.1: 104 of 1,613,916 alleles (0.0064%); highest among the groups gnomAD compares: Middle Eastern, 0.049%; no homozygotes.

Submissions (3):

Labcorp Genetics (formerly Invitae), Labcorp
Classification: Likely benign for Amelocerebrohypohidrotic syndrome. Last evaluated: 2025-11-24. Review status: criteria provided, single submitter. Criteria: Invitae Variant Classification Sherloc (09022015). Collection method: clinical testing. Allele origin: germline.

Athena Diagnostics
Classification: Likely benign. Last evaluated: 2025-01-09. Review status: criteria provided, single submitter. Criteria: Athena Diagnostics Criteria. Collection method: clinical testing. Allele origin: unknown.
Comment: The frequency of this variant in the general population is higher than would generally be expected for pathogenic variants in this gene. Computational tools yielded predictions that this variant is unlikely to have an effect on normal RNA splicing. This nucleotide position exhibits low evolutionary conservation.

Blueprint Genetics
Classification: Likely benign. Last evaluated: 2024-10-15. Review status: criteria provided, single submitter. Criteria: ACMG Guidelines, 2015. Collection method: clinical testing. Allele origin: germline.